The following is an entry in ClinVar:

ClinVar aggregate classification (germline): Uncertain significance. Review status: criteria provided, multiple submitters, no conflicts (2 of 4 stars). 3 submissions from 3 submitters: Uncertain significance (3). Last evaluated 2024-03-06.

Conditions:
Hereditary cancer-predisposing syndrome. Also called: Tumor predisposition; Neoplastic Syndromes, Hereditary; Hereditary Cancer Syndrome; Hereditary neoplastic syndrome. Identifiers: Orphanet 140162, MedGen C0027672, MeSH D009386, MONDO:0015356.
Ataxia-telangiectasia syndrome (AT). Also called: ATAXIA-TELANGIECTASIA, COMPLEMENTATION GROUP A; ATAXIA-TELANGIECTASIA, FRESNO VARIANT; LOUIS-BAR SYNDROME; Ataxia telangiectasia (A-T); Cerebello-oculocutaneous telangiectasia; Immunodeficiency with ataxia telangiectasia. Identifiers: Orphanet 100, MedGen C0004135, MONDO:0008840, OMIM 208900.

Submissions (3):

Color Diagnostics, LLC DBA Color Health
Classification: Uncertain significance for Hereditary cancer-predisposing syndrome. Last evaluated: 2024-03-06. Review status: criteria provided, single submitter. Criteria: ACMG Guidelines, 2015. Collection method: clinical testing. Allele origin: germline.
Comment: This missense variant replaces phenylalanine with leucine at codon 168 of the ATM protein. Computational prediction suggests that this variant may not impact protein structure and function (internally defined REVEL score threshold <= 0.5, PMID: 27666373). To our knowledge, functional studies have not been reported for this variant. This variant has not been reported in individuals affected with hereditary cancer in the literature. This variant has not been identified in the general population by the Genome Aggregation Database (gnomAD). The available evidence is insufficient to determine the role of this variant in disease conclusively. Therefore, this variant is classified as a Variant of Uncertain Significance.

Labcorp Genetics (formerly Invitae), Labcorp
Classification: Uncertain significance for Ataxia-telangiectasia syndrome. Last evaluated: 2018-09-03. Review status: criteria provided, single submitter. Criteria: Invitae Variant Classification Sherloc (09022015). Collection method: clinical testing. Allele origin: germline.
Comment: This sequence change replaces phenylalanine with leucine at codon 168 of the ATM protein (p.Phe168Leu). The phenylalanine residue is weakly conserved and there is a small physicochemical difference between phenylalanine and leucine. This variant is not present in population databases (ExAC no frequency). This variant has not been reported in the literature in individuals with ATM-related disease. Algorithms developed to predict the effect of missense changes on protein structure and function output the following: SIFT: "Tolerated"; PolyPhen-2: "Benign"; Align-GVGD: "Class C0". The leucine amino acid residue is found in multiple mammalian species, suggesting that this missense change does not adversely affect protein function. These predictions have not been confirmed by published functional studies and their clinical significance is uncertain. In summary, the available evidence is currently insufficient to determine the role of this variant in disease. Therefore, it has been classified as a Variant of Uncertain Significance.

ARUP Laboratories, Molecular Genetics and Genomics, ARUP Laboratories
Classification: Uncertain significance. Last evaluated: 2018-01-24. Review status: criteria provided, single submitter. Criteria: ARUP Molecular Germline Variant Investigation Process. Collection method: clinical testing. Allele origin: germline.
Comment: The ATM c.502T>C; p.Phe168Leu variant, to our knowledge, is not reported in the medical literature, gene specific variation databases, nor has it been previously identified by our laboratory. This variant is absent from the general population databases (1000 Genomes Project, Exome Variant Server, Genome Aggregation Database), indicating it is not a common polymorphism. The phenylalanine at position 168 is weakly conserved, considering 9 species, and computational analyses of the effects of the p.Phe168Leu variant on protein structure and function do not predict a deleterious effect (SIFT: tolerated, PolyPhen-2: benign). Based on the available information, the clinical significance of the p.Phe168Leu variant cannot be determined with certainty.

NM_000051.4(ATM):c.502T>C (p.Phe168Leu)

Gene: ATM (ATM serine/threonine kinase; plus strand). Cytogenetic location: 11q22.3.
Variant type: single nucleotide variant.
Coding change: c.502T>C on transcript NM_000051.4 (MANE Select); coding-DNA position 502, T replaced by C.
Protein change: p.Phe168Leu; replaces phenylalanine 168 with leucine.
Molecular consequence: missense variant.
Genome position (GRCh38, 1-based): chr11:108,243,958, T>C. VCF-style: chr11-108243958-T-C. GRCh37 (hg19) VCF-style: chr11-108114685-T-C.
Other names: c.502T>C, p.Phe168Leu (NM_001351834.2); short protein forms F168L.
Identifiers: ClinVar variation 618539 (VCV000618539.19), dbSNP rs1565369177, ClinGen allele CA382527432.